The following is an entry in ClinVar:

ClinVar aggregate classification (germline): Uncertain significance (1 of 4 stars; one submission).

Allele frequency attached by ClinVar (database versions not stated): gnomAD 0.00001; TOPMed 0.00001; gnomAD exomes 0.00002.
gnomAD v4.1: 23 of 1,610,924 alleles (0.0014%); highest among the groups gnomAD compares: Non-Finnish European, 0.002%; no homozygotes.

Submission:

Ambry Genetics
Classification: Uncertain significance. Last evaluated: 2024-06-07. Review status: criteria provided, single submitter. Criteria: Ambry Variant Classification Scheme 2023. Collection method: clinical testing. Allele origin: germline.
Comment: The p.S1096I variant (also known as c.3287G>T), located in coding exon 20 of the PKP4 gene, results from a G to T substitution at nucleotide position 3287. The serine at codon 1096 is replaced by isoleucine, an amino acid with dissimilar properties. This amino acid position is conserved. In addition, the in silico prediction for this alteration is inconclusive. Since supporting evidence is limited at this time, the clinical significance of this alteration remains unclear.

NM_003628.6(PKP4):c.3287G>T (p.Ser1096Ile)

Genes: PKP4 (plakophilin 4; plus strand), PKP4-AS1 (PKP4 antisense RNA 1; minus strand). Cytogenetic location: 2q24.1.
Variant type: single nucleotide variant.
Coding change: c.3287G>T on transcript NM_003628.6 (MANE Select); coding-DNA position 3287, G replaced by T.
Protein change: p.Ser1096Ile; replaces serine 1096 with isoleucine.
Molecular consequence: missense variant.
Genome position (GRCh38, 1-based): chr2:158,678,611, G>T. VCF-style: chr2-158678611-G-T. GRCh37 (hg19) VCF-style: chr2-159535123-G-T.
Other names: c.3158G>T, p.Ser1053Ile (NM_001005476.4, NM_001377225.1); c.3284G>T, p.Ser1095Ile (NM_001304969.3, NM_001377219.1, NM_001377220.1 and 1 more transcripts); c.2258G>T, p.Ser753Ile (NM_001304970.3); c.3287G>T, p.Ser1096Ile (NM_001377218.1); c.3281G>T, p.Ser1094Ile (NM_001377222.1, NM_001377223.1); c.3278G>T, p.Ser1093Ile (NM_001377224.1); c.3155G>T, p.Ser1052Ile (NM_001377226.1); short protein forms S1053I, S1094I, S753I, S1096I, S1093I, S1095I, S1052I.
Identifiers: ClinVar variation 1729796 (VCV001729796.3), dbSNP rs1291968247, ClinGen allele CA348908673.
Genomic context (GRCh38, chr2:158,678,611, plus strand): 5'-GTTTTAATTTCATAAAATATTTTCTTACAGGCTCCAGCAAACCTTCACCAATTTACATCA[G>T]TTCCTATTCCTCACCAGCAAGAGAACAAAATAGACGGCTACAGGTGAATTTGCAATATCA-3'
Protein context (NP_003619.2, residues 1086-1106): GSSKPSPIYI[Ser1096Ile]SYSSPAREQN